The following is an entry in ClinVar:

NM_000059.4(BRCA2):c.734G>A (p.Arg245Lys)

Gene: BRCA2 (BRCA2 DNA repair associated; plus strand). Cytogenetic location: 13q13.1.
Variant type: single nucleotide variant.
Coding change: c.734G>A on transcript NM_000059.4 (MANE Select); coding-DNA position 734, G replaced by A.
Protein change: p.Arg245Lys; replaces arginine 245 with lysine.
Molecular consequence: missense variant.
Genome position (GRCh38, 1-based): chr13:32,330,971, G>A. VCF-style: chr13-32330971-G-A. GRCh37 (hg19) VCF-style: chr13-32905108-G-A.
Other names: c.734G>A, p.Arg245Lys (NM_001406719.1, NM_001406720.1, NM_001406721.1); c.365G>A, p.Arg122Lys (NM_001406722.1); short protein forms R122K, R245K.
Identifiers: ClinVar variation 2030726 (VCV002030726.5), dbSNP rs879255462, ClinGen allele CA387760038.

ClinVar aggregate classification (germline): Conflicting classifications of pathogenicity. Review status: criteria provided, conflicting classifications (1 of 4 stars). 2 submissions from 2 submitters: Uncertain significance (1); Likely benign (1). Last evaluated 2026-03-16.

Conditions:
Hereditary breast ovarian cancer syndrome. Also called: Hereditary breast and ovarian cancer syndrome; Hereditary breast and ovarian cancer; Hereditary breast and/or ovarian cancer syndrome; Breast and ovarian cancer; BRCA1- and BRCA2-Associated Hereditary Breast and Ovarian Cancer; Hereditary breast and ovarian cancer syndrome (HBOC). Identifiers: Orphanet 145, MedGen C0677776, MeSH D061325, MONDO:0003582. Disease mechanism: loss of function.
Hereditary cancer-predisposing syndrome. Also called: Neoplastic Syndromes, Hereditary; Tumor predisposition; Hereditary Cancer Syndrome; Hereditary neoplastic syndrome. Identifiers: Orphanet 140162, MedGen C0027672, MeSH D009386, MONDO:0015356.

Submissions (2):

Ambry Genetics
Classification: Likely benign for Hereditary cancer-predisposing syndrome. Last evaluated: 2026-03-16. Review status: criteria provided, single submitter. Criteria: Ambry Variant Classification Scheme 2023. Collection method: clinical testing. Allele origin: germline.

Labcorp Genetics (formerly Invitae), Labcorp
Classification: Uncertain significance for Hereditary breast ovarian cancer syndrome. Last evaluated: 2022-11-29. Review status: criteria provided, single submitter. Criteria: Invitae Variant Classification Sherloc (09022015). Collection method: clinical testing. Allele origin: germline.
Comment: In summary, the available evidence is currently insufficient to determine the role of this variant in disease. Therefore, it has been classified as a Variant of Uncertain Significance. Advanced modeling of protein sequence and biophysical properties (such as structural, functional, and spatial information, amino acid conservation, physicochemical variation, residue mobility, and thermodynamic stability) performed at Invitae indicates that this missense variant is not expected to disrupt BRCA2 protein function. This missense change has been observed in individual(s) with a personal or family history of breast and/or ovarian cancer (PMID: 23635950). This variant is not present in population databases (gnomAD no frequency). This sequence change replaces arginine, which is basic and polar, with lysine, which is basic and polar, at codon 245 of the BRCA2 protein (p.Arg245Lys).

Literature cited by the submitters: PubMed 23635950 (cited by Labcorp Genetics (formerly Invitae), Labcorp).